The following is an entry in ClinVar:

NM_015896.4(ZMYND10):c.477G>T (p.Glu159Asp)

Gene: ZMYND10 (zinc finger MYND-type containing 10; minus strand). Cytogenetic location: 3p21.31.
Variant type: single nucleotide variant.
Coding change: c.477G>T on transcript NM_015896.4 (MANE Select); coding-DNA position 477, G replaced by T.
Protein change: p.Glu159Asp; replaces glutamic acid 159 with aspartic acid.
Molecular consequence: missense variant.
Genome position (GRCh38, 1-based): chr3:50,343,340, C>A on the plus strand (G>T on the coding strand, the complement: ZMYND10 is on the minus strand). VCF-style: chr3-50343340-C-A. GRCh37 (hg19) VCF-style: chr3-50380771-C-A.
Other names: c.477G>T, p.Glu159Asp (NM_001308379.2); short protein forms E159D.
Identifiers: ClinVar variation 852115 (VCV000852115.7), dbSNP rs377737133, ClinGen allele CA352942559.
Genomic context (GRCh38, chr3:50,343,340, plus strand): 5'-TCACAACCCTAGGTAACCTCAACCCACCTGCATGGGGTTGCTGTCCTGGGATCCCTCCCC[C>A]TCAGGGGGGCCACCACAGCCACTCTGGGCCACCAGCAGGGTCAGTTTGCGGTGGCAATAG-3'
Protein context (NP_056980.2, residues 149-169): VAQSGCGGPP[Glu159Asp]GEGSQDSNPM

ClinVar aggregate classification (germline): Uncertain significance (1 of 4 stars; one submission).

Conditions:
Primary ciliary dyskinesia. Also called: Ciliary dyskinesia. Identifiers: Orphanet 244, MedGen C0008780, MONDO:0016575, HP:0012265.

Submission:

Labcorp Genetics (formerly Invitae), Labcorp
Classification: Uncertain significance for Primary ciliary dyskinesia. Last evaluated: 2019-04-16. Review status: criteria provided, single submitter. Criteria: Invitae Variant Classification Sherloc (09022015). Collection method: clinical testing. Allele origin: germline.
Comment: This sequence change replaces glutamic acid with aspartic acid at codon 159 of the ZMYND10 protein (p.Glu159Asp). The glutamic acid residue is weakly conserved and there is a small physicochemical difference between glutamic acid and aspartic acid. This variant is not present in population databases (ExAC no frequency). This variant has not been reported in the literature in individuals with ZMYND10-related conditions. Algorithms developed to predict the effect of missense changes on protein structure and function (SIFT, PolyPhen-2, Align-GVGD) all suggest that this variant is likely to be tolerated, but these predictions have not been confirmed by published functional studies and their clinical significance is uncertain. In summary, the available evidence is currently insufficient to determine the role of this variant in disease. Therefore, it has been classified as a Variant of Uncertain Significance.